The following is an entry in ClinVar:

ClinVar aggregate classification (germline): Pathogenic (1 of 4 stars; one submission).

Allele frequency attached by ClinVar (database versions not stated): gnomAD 0.00001; gnomAD exomes 0.00001; ExAC 0.00002.
gnomAD v4.1: 4 of 1,587,764 alleles (0.00025%); highest among the groups gnomAD compares: Non-Finnish European, 0.00034%; no homozygotes.

Submission:

Labcorp Genetics (formerly Invitae), Labcorp
Classification: Pathogenic. Last evaluated: 2023-01-13. Review status: criteria provided, single submitter. Criteria: Invitae Variant Classification Sherloc (09022015). Collection method: clinical testing. Allele origin: germline.
Comment: Algorithms developed to predict the effect of sequence changes on RNA splicing suggest that this variant may disrupt the consensus splice site. This variant has not been reported in the literature in individuals affected with C11orf70-related conditions. This variant is present in population databases (rs763307794, gnomAD 0.002%). This sequence change creates a premature translational stop signal (p.Glu97*) in the C11orf70 gene. It is expected to result in an absent or disrupted protein product. Loss-of-function variants in C11orf70 are known to be pathogenic (PMID: 29727692, 29727693). For these reasons, this variant has been classified as Pathogenic.

Literature cited by the submitters: PubMed 29727692; PubMed 29727693.

NM_032930.3(CFAP300):c.289G>T (p.Glu97Ter)

Gene: CFAP300 (cilia and flagella associated protein 300; plus strand). Cytogenetic location: 11q22.1.
Variant type: single nucleotide variant.
Coding change: c.289G>T on transcript NM_032930.3 (MANE Select); coding-DNA position 289, G replaced by T.
Protein change: p.Glu97Ter; replaces glutamic acid 97 with a stop codon.
Molecular consequence: nonsense. On other transcripts: intron variant (1).
Genome position (GRCh38, 1-based): chr11:102,066,505, G>T. VCF-style: chr11-102066505-G-T. GRCh37 (hg19) VCF-style: chr11-101937236-G-T.
Other names: c.289G>T, p.Glu97Ter (NM_001363505.2); c.268+7550G>T (NM_001195005.2); short protein forms E97*.
Identifiers: ClinVar variation 1956807 (VCV001956807.5), dbSNP rs763307794, ClinGen allele CA6245971.